The following is an entry in ClinVar:

ClinVar aggregate classification (germline): Uncertain significance (1 of 4 stars; one submission).

gnomAD v4.1: 25 of 1,614,104 alleles (0.0015%); highest among the groups gnomAD compares: Non-Finnish European, 0.0021%; no homozygotes.

Submission:

CeGaT Center for Human Genetics Tuebingen
Classification: Uncertain significance. Last evaluated: 2024-01-01. Review status: criteria provided, single submitter. Criteria: CeGaT Center For Human Genetics Tuebingen Variant Classification Criteria Version 2. Collection method: clinical testing. Allele origin: germline. Affected: yes. Observed: 1 variant allele.
Comment: FAT2: PM2, BP4

NM_001447.3(FAT2):c.4970C>T (p.Ala1657Val)

Genes: FAT2 (FAT atypical cadherin 2; minus strand), SLC36A1 (solute carrier family 36 member 1; plus strand). Cytogenetic location: 5q33.1.
Variant type: single nucleotide variant.
Coding change: c.4970C>T on transcript NM_001447.3 (MANE Select); coding-DNA position 4970, C replaced by T.
Protein change: p.Ala1657Val; replaces alanine 1657 with valine.
Molecular consequence: missense variant.
Genome position (GRCh38, 1-based): chr5:151,546,157, G>A on the plus strand (C>T on the coding strand, the complement: FAT2 is on the minus strand). VCF-style: chr5-151546157-G-A. GRCh37 (hg19) VCF-style: chr5-150925718-G-A.
Other names: short protein forms A1657V.
Identifiers: ClinVar variation 3025153 (VCV003025153.22), dbSNP rs140606232, ClinGen allele CA3521398.